The following is an entry in ClinVar:

NM_024675.4(PALB2):c.1334A>C (p.Lys445Thr)

Gene: PALB2 (partner and localizer of BRCA2; minus strand). Cytogenetic location: 16p12.2.
Variant type: single nucleotide variant.
Coding change: c.1334A>C on transcript NM_024675.4 (MANE Select); coding-DNA position 1334, A replaced by C.
Protein change: p.Lys445Thr; replaces lysine 445 with threonine.
Molecular consequence: missense variant.
Genome position (GRCh38, 1-based): chr16:23,635,212, T>G on the plus strand (A>C on the coding strand, the complement: PALB2 is on the minus strand). VCF-style: chr16-23635212-T-G. GRCh37 (hg19) VCF-style: chr16-23646533-T-G.
Other names: short protein forms K445T.
Identifiers: ClinVar variation 480282 (VCV000480282.11), dbSNP rs1555461337, ClinGen allele CA395132263.

ClinVar aggregate classification (germline): Uncertain significance. Review status: criteria provided, multiple submitters, no conflicts (2 of 4 stars). 2 submissions from 2 submitters: Uncertain significance (2). Last evaluated 2022-10-07.

Conditions:
Familial cancer of breast. Also called: BREAST CANCER, FAMILIAL; Hereditary breast cancer; hereditary breast carcinoma. Identifiers: Orphanet 227535, MedGen C0346153, MONDO:0016419, OMIM 114480. Disease mechanism: loss of function.
Hereditary cancer-predisposing syndrome. Also called: Hereditary Cancer Syndrome; Neoplastic Syndromes, Hereditary; Tumor predisposition; Hereditary neoplastic syndrome. Identifiers: Orphanet 140162, MedGen C0027672, MeSH D009386, MONDO:0015356.

Submissions (2):

Labcorp Genetics (formerly Invitae), Labcorp
Classification: Uncertain significance for Familial cancer of breast. Last evaluated: 2022-10-07. Review status: criteria provided, single submitter. Criteria: Invitae Variant Classification Sherloc (09022015). Collection method: clinical testing. Allele origin: germline.
Comment: In summary, the available evidence is currently insufficient to determine the role of this variant in disease. Therefore, it has been classified as a Variant of Uncertain Significance. Algorithms developed to predict the effect of missense changes on protein structure and function output the following: SIFT: "Tolerated"; PolyPhen-2: "Benign"; Align-GVGD: "Class C0". The threonine amino acid residue is found in multiple mammalian species, which suggests that this missense change does not adversely affect protein function. ClinVar contains an entry for this variant (Variation ID: 480282). This variant has not been reported in the literature in individuals affected with PALB2-related conditions. This variant is not present in population databases (gnomAD no frequency). This sequence change replaces lysine, which is basic and polar, with threonine, which is neutral and polar, at codon 445 of the PALB2 protein (p.Lys445Thr).

Ambry Genetics
Classification: Uncertain significance for Hereditary cancer-predisposing syndrome. Last evaluated: 2017-02-20. Review status: criteria provided, single submitter. Criteria: Ambry Variant Classification Scheme 2023. Collection method: clinical testing. Allele origin: germline.
Comment: The p.K445T variant (also known as c.1334A>C), located in coding exon 4 of the PALB2 gene, results from an A to C substitution at nucleotide position 1334. The lysine at codon 445 is replaced by threonine, an amino acid with similar properties. This amino acid position is well conserved in available vertebrate species. In addition, this alteration is predicted to be tolerated by in silico analysis. Since supporting evidence is limited at this time, the clinical significance of this alteration remains unclear.